The following is an entry in ClinVar:

ClinVar aggregate classification (germline): Pathogenic (1 of 4 stars; one submission).

Submission:

Labcorp Genetics (formerly Invitae), Labcorp
Classification: Pathogenic. Last evaluated: 2022-10-13. Review status: criteria provided, single submitter. Criteria: Invitae Variant Classification Sherloc (09022015). Collection method: clinical testing. Allele origin: germline.
Comment: This sequence change creates a premature translational stop signal (p.Glu272Alafs*18) in the HNF1B gene. It is expected to result in an absent or disrupted protein product. Loss-of-function variants in HNF1B are known to be pathogenic (PMID: 9398836, 12148114, 15068978, 20378641). This variant is not present in population databases (gnomAD no frequency). This variant has not been reported in the literature in individuals affected with HNF1B-related conditions. ClinVar contains an entry for this variant (Variation ID: 1457998). Algorithms developed to predict the effect of sequence changes on RNA splicing suggest that this variant may disrupt the consensus splice site. For these reasons, this variant has been classified as Pathogenic.

Literature cited by the submitters: PubMed 9398836; PubMed 12148114; PubMed 15068978; PubMed 20378641.

NM_000458.4(HNF1B):c.815_825del (p.Glu272fs)

Gene: HNF1B (HNF1 homeobox B; minus strand). Cytogenetic location: 17q12.
Variant type: Deletion.
Coding change: c.815_825del on transcript NM_000458.4 (MANE Select); coding-DNA positions 815 to 825, 11 bases deleted (AATGTTTGCAG).
Protein change: p.Glu272fs; shifts the reading frame from glutamic acid 272.
Molecular consequence: frameshift variant.
Genome position (GRCh38, 1-based): chr17:37,731,815-37,731,825, CTGCAAACATT deleted on the plus strand (AATGTTTGCAG on the coding strand, the reverse complement: HNF1B is on the minus strand); deleting any 11 consecutive bases within chr17:37,731,815-37,731,829 gives the same sequence; the c. name uses the placement nearest the transcript's 3' end. VCF-style (leftmost placement, unchanged base first): chr17-37731814-GCTGCAAACATT-G. GRCh37 (hg19) VCF-style: chr17-36091805-GCTGCAAACATT-G.
Other names: c.737_747del, p.Glu246fs (NM_001165923.4, NM_001304286.2); short protein forms E246fs, E272fs.
Identifiers: ClinVar variation 1457998 (VCV001457998.6), dbSNP rs2147545812, ClinGen allele CA2573153769.
Genomic context (GRCh38, chr17:37,731,814, plus strand): 5'-CACGGACCTCAGTGACCAAGTTGGAGCCCAGGCCGTGGGCTTTGGAGGGGGACACCCCTC[GCTGCAAACATT>G]CTGCCCTGGGAATGGATGGAGGGGAGATGGTGAGTGAGGGGGGGCGGGGGGACTTGTTGG-3'